The following is an entry in ClinVar:

NM_000350.3(ABCA4):c.741C>T (p.Asn247=)

Gene: ABCA4 (ATP binding cassette subfamily A member 4; minus strand). Cytogenetic location: 1p22.1.
Variant type: single nucleotide variant.
Coding change: c.741C>T on transcript NM_000350.3 (MANE Select); coding-DNA position 741, C replaced by T.
Protein change: p.Asn247=; no amino-acid change (asparagine 247 retained).
Molecular consequence: synonymous variant.
Genome position (GRCh38, 1-based): chr1:94,098,821, G>A on the plus strand (C>T on the coding strand, the complement: ABCA4 is on the minus strand). VCF-style: chr1-94098821-G-A. GRCh37 (hg19) VCF-style: chr1-94564377-G-A.
Other names: c.741C>T, p.Asn247= (NM_001425324.1).
Identifiers: ClinVar variation 298266 (VCV000298266.40), dbSNP rs372976742, ClinGen allele CA958756.
Genomic context (GRCh38, chr1:94,098,821, plus strand): 5'-TGCAATTGGCGAGCAGCCAAACCCCTCCCTTACCACACGGAAGAGCTTGAAGAAGTCCAC[G>A]TTGGCATACAGAGTGTCTTCTATCCACTGTAGGGTGCCCTGGGAGAGGGAGCACAGGGCA-3'
Protein context (NP_000341.2, residues 237-257): LQWIEDTLYA[Asn247=]VDFFKLFRVL

ClinVar aggregate classification (germline): Conflicting classifications of pathogenicity. Review status: criteria provided, conflicting classifications (1 of 4 stars). 6 submissions from 5 submitters: Uncertain significance (2); Likely benign (4). Last evaluated 2025-12-31.

Conditions:
ABCA4-related disorder. Also called: ABCA4-related condition; ABCA4-related disorders. Identifiers: MedGen CN239167.
Late-onset cone-rod dystrophy.
Retinitis pigmentosa (RP). Identifiers: Orphanet 791, MedGen C0035334, MeSH D012174, MONDO:0019200, OMIM 268000. Inheritance: Autosomal dominant, autosomal recessive and X linked inheritance.

Allele frequency attached by ClinVar (database versions not stated): TOPMed 0.00011; gnomAD 0.00013 and 0.00015; ESP Exome Variant Server 0.00015; gnomAD exomes 0.00015 and 0.00023; 1000 Genomes Project 0.00020; ExAC 0.00026; 1000 Genomes Project 30x 0.00031.
gnomAD v4.1: 242 of 1,614,182 alleles (0.015%); highest among the groups gnomAD compares: South Asian, 0.13%; 2 homozygotes.

Submissions (6):

Labcorp Genetics (formerly Invitae), Labcorp
Classification: Likely benign. Last evaluated: 2025-12-31. Review status: criteria provided, single submitter. Criteria: Invitae Variant Classification Sherloc (09022015). Collection method: clinical testing. Allele origin: germline.

Blueprint Genetics
Classification: Likely benign. Last evaluated: 2024-10-25. Review status: criteria provided, single submitter. Criteria: ACMG Guidelines, 2015. Collection method: clinical testing. Allele origin: germline.

Lab De Baere, Eye and Developmental Genetics Lab, Ghent University
Classification: Likely benign for Late-onset cone-rod dystrophy. Last evaluated: 2024-10-01. Review status: criteria provided, single submitter. Criteria: ACMG Guidelines, 2015. Collection method: research. Allele origin: inherited. Affected: yes. Observed: 1 variant allele.
Comment: ACMG/AMP guidelines: BP4, BP7

Lab De Baere, Eye and Developmental Genetics Lab, Ghent University
Classification: Uncertain significance for Retinitis pigmentosa. Last evaluated: 2024-10-01. Review status: criteria provided, single submitter. Criteria: ACMG Guidelines, 2015. Collection method: research. Allele origin: inherited. Affected: yes. Observed: 1 variant allele.
Comment: ACMG/AMP guidelines: PM2

CeGaT Center for Human Genetics Tuebingen
Classification: Likely benign. Last evaluated: 2022-06-01. Review status: criteria provided, single submitter. Criteria: CeGaT Center For Human Genetics Tuebingen Variant Classification Criteria Version 2. Collection method: clinical testing. Allele origin: germline. Affected: yes. Observed: 1 variant allele.
Comment: ABCA4: BP4, BP7

Illumina Laboratory Services, Illumina
Classification: Uncertain significance for ABCA4-Related Disorders. Last evaluated: 2018-01-12. Review status: criteria provided, single submitter. Criteria: ICSL Variant Classification Criteria 13 December 2019. Collection method: clinical testing. Allele origin: germline.